The following is an entry in ClinVar:

ClinVar aggregate classification (germline): Uncertain significance (1 of 4 stars; one submission).

Submission:

GeneDx
Classification: Uncertain significance. Last evaluated: 2023-12-14. Review status: criteria provided, single submitter. Criteria: GeneDx Variant Classification Process June 2021. Collection method: clinical testing. Allele origin: germline. Affected: yes.
Comment: Not observed at significant frequency in large population cohorts (gnomAD); In silico analysis supports that this missense variant does not alter protein structure/function; Has not been previously published as pathogenic or benign to our knowledge

NM_021098.3(CACNA1H):c.2139G>C (p.Glu713Asp)

Gene: CACNA1H (calcium voltage-gated channel subunit alpha1 H; plus strand). Cytogenetic location: 16p13.3.
Variant type: single nucleotide variant.
Coding change: c.2139G>C on transcript NM_021098.3 (MANE Select); coding-DNA position 2139, G replaced by C.
Protein change: p.Glu713Asp; replaces glutamic acid 713 with aspartic acid.
Molecular consequence: missense variant.
Genome position (GRCh38, 1-based): chr16:1,204,146, G>C. VCF-style: chr16-1204146-G-C. GRCh37 (hg19) VCF-style: chr16-1254146-G-C.
Other names: c.2139G>C, p.Glu713Asp (NM_001005407.2); short protein forms E713D.
Identifiers: ClinVar variation 3365826 (VCV003365826.1).